The following is an entry in ClinVar:

ClinVar aggregate classification (germline): Uncertain significance (1 of 4 stars; one submission).

Conditions:
Emery-Dreifuss muscular dystrophy (EDMD). Also called: Scapuloperoneal syndrome, X-linked (formerly); Humeroperoneal neuromuscular disease, (formerly). Identifiers: Orphanet 261, MedGen C0410189, MONDO:0016830.

Allele frequency attached by ClinVar (database versions not stated): gnomAD exomes below 0.00001.

Submission:

Labcorp Genetics (formerly Invitae), Labcorp
Classification: Uncertain significance for Emery-Dreifuss muscular dystrophy. Last evaluated: 2021-11-19. Review status: criteria provided, single submitter. Criteria: Invitae Variant Classification Sherloc (09022015). Collection method: clinical testing. Allele origin: germline.
Comment: In summary, the available evidence is currently insufficient to determine the role of this variant in disease. Therefore, it has been classified as a Variant of Uncertain Significance. Algorithms developed to predict the effect of missense changes on protein structure and function output the following: SIFT: "Tolerated"; PolyPhen-2: "Probably Damaging"; Align-GVGD: "Class C0". The valine amino acid residue is found in multiple mammalian species, which suggests that this missense change does not adversely affect protein function. ClinVar contains an entry for this variant (Variation ID: 1058135). This variant has not been reported in the literature in individuals affected with SUN1-related conditions. This variant is present in population databases (no rsID available, gnomAD 0.003%). This sequence change replaces phenylalanine, which is neutral and non-polar, with valine, which is neutral and non-polar, at codon 521 of the SUN1 protein (p.Phe521Val).

NM_001130965.3(SUN1):c.1561T>G (p.Phe521Val)

Gene: SUN1 (Sad1 and UNC84 domain containing 1; plus strand). Cytogenetic location: 7p22.3.
Variant type: single nucleotide variant.
Coding change: c.1561T>G on transcript NM_001130965.3 (MANE Select); coding-DNA position 1561, T replaced by G.
Protein change: p.Phe521Val; replaces phenylalanine 521 with valine.
Molecular consequence: missense variant. On other transcripts: non-coding transcript variant (3).
Genome position (GRCh38, 1-based): chr7:860,164, T>G. VCF-style: chr7-860164-T-G. GRCh37 (hg19) VCF-style: chr7-899801-T-G.
Other names: c.1843T>G, p.Phe615Val (NM_001367682.1, NM_001367641.1); c.1645T>G, p.Phe549Val (NM_001367683.1); c.1720T>G, p.Phe574Val (NM_001367684.1); c.1672T>G, p.Phe558Val (NM_001367685.1, NM_001367664.1); c.1393T>G, p.Phe465Val (NM_001367686.1); c.1642T>G, p.Phe548Val (NM_001367688.1); c.1522T>G, p.Phe508Val (NM_001367689.1, NM_001367667.1); c.1852T>G, p.Phe618Val (NM_001367690.1); and 43 more; short protein forms F283V, F332V, F368V, F404V, F418V, F438V, F460V, F465V.
Identifiers: ClinVar variation 1058135 (VCV001058135.7), dbSNP rs1366892549, ClinGen allele CA366533481.